The following is an entry in ClinVar:

ClinVar aggregate classification (germline): Benign. Review status: criteria provided, multiple submitters, no conflicts (2 of 4 stars). 4 submissions from 4 submitters: Benign (4). Last evaluated 2026-02-01.

Conditions:
Polydactyly of a triphalangeal thumb. Also called: Polydactyly, preaxial type II; POLYDACTYLY OF TRIPHALANGEAL THUMB; TRIPHALANGEAL THUMB-POLYDACTYLY SYNDROME. Identifiers: Orphanet 2439, Orphanet 2950, Orphanet 93336, MedGen C1868114, MONDO:0008270, OMIM 174500.

Allele frequency attached by ClinVar (database versions not stated): ESP Exome Variant Server 0.06689; TOPMed 0.07799; 1000 Genomes Project 30x 0.09681; 1000 Genomes Project 0.09685.
gnomAD v4.1: 69,531 of 1,602,902 alleles (4.3%); highest among the groups gnomAD compares: East Asian, 15%; 2,341 homozygotes.

Submissions (4):

Labcorp Genetics (formerly Invitae), Labcorp
Classification: Benign. Last evaluated: 2026-02-01. Review status: criteria provided, single submitter. Criteria: Invitae Variant Classification Sherloc (09022015). Collection method: clinical testing. Allele origin: germline.

GeneDx
Classification: Benign. Last evaluated: 2018-07-09. Review status: criteria provided, single submitter. Criteria: GeneDx Variant Classification Process June 2021. Collection method: clinical testing. Allele origin: germline. Affected: yes.

Illumina Laboratory Services, Illumina
Classification: Benign for Polydactyly of a triphalangeal thumb. Last evaluated: 2018-01-13. Review status: criteria provided, single submitter. Criteria: ICSL Variant Classification Criteria 13 December 2019. Collection method: clinical testing. Allele origin: germline.
Comment: This variant was observed in the ICSL laboratory as part of a predisposition screen in an ostensibly healthy population. It had not been previously curated by ICSL or reported in the Human Gene Mutation Database (HGMD: prior to June 1st, 2018), and was therefore a candidate for classification through an automated scoring system. Utilizing variant allele frequency, disease prevalence and penetrance estimates, and inheritance mode, an automated score was calculated to assess if this variant is too frequent to cause the disease. Based on the score and internal cut-off values, a variant classified as benign is not then subjected to further curation. The score for this variant resulted in a classification of benign for this disease.

Breakthrough Genomics
Classification: Benign. Review status: criteria provided, single submitter. Criteria: ACMG Guidelines, 2015. Collection method: not provided. Allele origin: germline. Inheritance: Autosomal recessive inheritance. Affected: yes.

NM_022458.4(LMBR1):c.1095C>T (p.Gly365=)

Gene: LMBR1 (limb development membrane protein 1; minus strand). Cytogenetic location: 7q36.3.
Variant type: single nucleotide variant.
Coding change: c.1095C>T on transcript NM_022458.4 (MANE Select); coding-DNA position 1095, C replaced by T.
Protein change: p.Gly365=; no amino-acid change (glycine 365 retained).
Molecular consequence: synonymous variant. On other transcripts: non-coding transcript variant (2).
Genome position (GRCh38, 1-based): chr7:156,725,498, G>A on the plus strand (C>T on the coding strand, the complement: LMBR1 is on the minus strand). VCF-style: chr7-156725498-G-A. GRCh37 (hg19) VCF-style: chr7-156518192-G-A.
Other names: c.1218C>T, p.Gly406= (NM_001350953.2, NM_001363409.2); c.816C>T, p.Gly272= (NM_001350954.2); c.639C>T, p.Gly213= (NM_001350955.2, NM_001350956.2, NM_001350958.2 and 1 more transcripts); c.726C>T, p.Gly242= (NM_001350957.2, NM_001363411.2); c.1095C>T, p.Gly365= (NM_001363410.2); c.1032C>T, p.Gly344= (NM_001363412.2).
Identifiers: ClinVar variation 359423 (VCV000359423.14), dbSNP rs60299355, ClinGen allele CA4587839.